The following is an entry in ClinVar:

ClinVar aggregate classification (germline): Uncertain significance (1 of 4 stars; one submission).

Submission:

Labcorp Genetics (formerly Invitae), Labcorp
Classification: Uncertain significance. Last evaluated: 2024-11-14. Review status: criteria provided, single submitter. Criteria: Invitae Variant Classification Sherloc (09022015). Collection method: clinical testing. Allele origin: germline.
Comment: This sequence change replaces leucine, which is neutral and non-polar, with methionine, which is neutral and non-polar, at codon 117 of the SLC25A4 protein (p.Leu117Met). This variant is not present in population databases (gnomAD no frequency). This variant has not been reported in the literature in individuals affected with SLC25A4-related conditions. Invitae Evidence Modeling of protein sequence and biophysical properties (such as structural, functional, and spatial information, amino acid conservation, physicochemical variation, residue mobility, and thermodynamic stability) indicates that this missense variant is not expected to disrupt SLC25A4 protein function with a negative predictive value of 80%. In summary, the available evidence is currently insufficient to determine the role of this variant in disease. Therefore, it has been classified as a Variant of Uncertain Significance.

NM_001151.4(SLC25A4):c.349C>A (p.Leu117Met)

Gene: SLC25A4 (solute carrier family 25 member 4; plus strand). Cytogenetic location: 4q35.1.
Variant type: single nucleotide variant.
Coding change: c.349C>A on transcript NM_001151.4 (MANE Select); coding-DNA position 349, C replaced by A.
Protein change: p.Leu117Met; replaces leucine 117 with methionine.
Molecular consequence: missense variant.
Genome position (GRCh38, 1-based): chr4:185,145,001, C>A. VCF-style: chr4-185145001-C-A. GRCh37 (hg19) VCF-style: chr4-186066155-C-A.
Other names: short protein forms L117M.
Identifiers: ClinVar variation 3631284 (VCV003631284.2).